The following is an entry in ClinVar:

NM_007294.4(BRCA1):c.4124A>C (p.Glu1375Ala)

Gene: BRCA1 (BRCA1 DNA repair associated; minus strand). Cytogenetic location: 17q21.31.
Variant type: single nucleotide variant.
Coding change: c.4124A>C on transcript NM_007294.4 (MANE Select); coding-DNA position 4124, A replaced by C.
Protein change: p.Glu1375Ala; replaces glutamic acid 1375 with alanine.
Molecular consequence: missense variant.
Genome position (GRCh38, 1-based): chr17:43,091,005, T>G on the plus strand (A>C on the coding strand, the complement: BRCA1 is on the minus strand). VCF-style: chr17-43091005-T-G. GRCh37 (hg19) VCF-style: chr17-41243022-T-G.
Other names: c.4043A>C, p.Glu1348Ala (NM_001407662.1, NM_001407659.1, NM_001407660.1 and 1 more transcripts); c.4046A>C, p.Glu1349Ala (NM_001407663.1, NM_001407656.1, NM_001407657.1 and 4 more transcripts); c.4001A>C, p.Glu1334Ala (NM_001407664.1, NM_001407665.1, NM_001407666.1 and 19 more transcripts); c.3998A>C, p.Glu1333Ala (NM_001407670.1, NM_001407671.1, NM_001407649.1 and 11 more transcripts); c.4124A>C, p.Glu1375Ala (NM_001407597.1, NM_001407598.1, NM_001407602.1 and 30 more transcripts); c.4121A>C, p.Glu1374Ala (NM_001407610.1, NM_001407611.1, NM_001407612.1 and 22 more transcripts); c.3911A>C, p.Glu1304Ala (NM_001407571.1, NM_001407853.1, NM_001407894.1 and 9 more transcripts); c.4115A>C, p.Glu1372Ala (NM_001407646.1, NM_001407647.1); and 41 more; short protein forms E1263A, E1286A, E1287A, E1304A, E1333A, E1334A, E1372A, E163A.
Identifiers: ClinVar variation 5033206 (VCV005033206.1).

ClinVar aggregate classification (germline): Uncertain significance (1 of 4 stars; one submission).

Conditions:
Hereditary cancer-predisposing syndrome. Also called: Neoplastic Syndromes, Hereditary; Tumor predisposition; Hereditary neoplastic syndrome; Hereditary Cancer Syndrome. Identifiers: Orphanet 140162, MedGen C0027672, MeSH D009386, MONDO:0015356.

Submission:

Ambry Genetics
Classification: Uncertain significance for Hereditary cancer-predisposing syndrome. Last evaluated: 2026-08-16. Review status: criteria provided, single submitter. Criteria: Ambry Variant Classification Scheme 2023. Collection method: clinical testing. Allele origin: germline.
Comment: The p.E1375A variant (also known as c.4124A>C), located in coding exon 10 of the BRCA1 gene, results from an A to C substitution at nucleotide position 4124. The glutamic acid at codon 1375 is replaced by alanine, an amino acid with dissimilar properties. This amino acid position is conserved. In addition, this alteration is predicted to be deleterious by in silico analysis. Based on the available evidence, the clinical significance of this variant remains unclear.